The following is an entry in ClinVar:

NM_152564.5(VPS13B):c.5599del (p.Ile1867fs)

Gene: VPS13B (vacuolar protein sorting 13 homolog B; plus strand). Cytogenetic location: 8q22.2.
Variant type: Deletion.
Coding change: c.5599del on transcript NM_152564.5 (MANE Select); coding-DNA position 5599, one base deleted (A; older notation c.5599delA).
Protein change: p.Ile1867fs; shifts the reading frame from isoleucine 1867.
Molecular consequence: frameshift variant.
Genome position (GRCh38, 1-based): chr8:99,642,189, A deleted. VCF-style (leftmost placement, unchanged base first): chr8-99642188-TA-T. GRCh37 (hg19) VCF-style: chr8-100654416-TA-T.
Other names: c.5674del (NM_017890.4); c.5674delA, p.Ile1892Phefs (NM_017890.4); c.5674del, p.Ile1892fs (NM_017890.5); short protein forms I1867fs, I1892fs.
Identifiers: ClinVar variation 2105427 (VCV002105427.5), dbSNP rs1829396950, ClinGen allele CA1805821533.

ClinVar aggregate classification (germline): Pathogenic/Likely pathogenic. Review status: criteria provided, multiple submitters, no conflicts (2 of 4 stars). 2 submissions from 2 submitters: Pathogenic (1); Likely pathogenic (1). Last evaluated 2025-08-31.

Conditions:
Cohen syndrome (COH1). Also called: Cutis verticis gyrata, retinitis pigmentosa, and sensorineural deafness; PEPPER SYNDROME. Identifiers: Orphanet 193, MedGen C0265223, MONDO:0008999, OMIM 216550.

Allele frequency attached by ClinVar (database versions not stated): TOPMed below 0.00001.

Submissions (2):

Natera, Inc.
Classification: Likely pathogenic for Cohen syndrome. Last evaluated: 2025-08-31. Review status: criteria provided, single submitter. Criteria: Natera Variant Classification Schema (03/2026). Collection method: clinical testing. Allele origin: germline.
Comment: The c.5674del variant in VPS13B is a frameshift variant predicted to shift the reading frame beginning at codon 1892 and leads to a stop codon 4 codons downstream. This variant is expected to result in nonsense mediated decay, truncation, or a dysfunctional protein product. This variant is rare in the general population with a frequency below the threshold expected for the associated phenotype(s). Given the available evidence, this variant is classified as Likely Pathogenic.

Labcorp Genetics (formerly Invitae), Labcorp
Classification: Pathogenic for Cohen syndrome. Last evaluated: 2022-06-10. Review status: criteria provided, single submitter. Criteria: Invitae Variant Classification Sherloc (09022015). Collection method: clinical testing. Allele origin: germline.
Comment: This variant is not present in population databases (gnomAD no frequency). For these reasons, this variant has been classified as Pathogenic. This variant has not been reported in the literature in individuals affected with VPS13B-related conditions. This sequence change creates a premature translational stop signal (p.Ile1892Phefs*4) in the VPS13B gene. It is expected to result in an absent or disrupted protein product. Loss-of-function variants in VPS13B are known to be pathogenic (PMID: 15141358, 16648375, 20461111).

Literature cited by the submitters: PubMed 15141358 (cited by Labcorp Genetics (formerly Invitae), Labcorp); PubMed 16648375 (cited by Labcorp Genetics (formerly Invitae), Labcorp); PubMed 20461111 (cited by Labcorp Genetics (formerly Invitae), Labcorp).